The following is an entry in ClinVar:

NM_001276345.2(TNNT2):c.-10A>C

Gene: TNNT2 (troponin T2, cardiac type; minus strand). Cytogenetic location: 1q32.1.
Variant type: single nucleotide variant.
Coding change: c.-10A>C on transcript NM_001276345.2 (MANE Select); 10 bases upstream of the start codon, A replaced by C.
Molecular consequence: 5 prime UTR variant. On other transcripts: intron variant (2).
Genome position (GRCh38, 1-based): chr1:201,373,264, T>G on the plus strand (A>C on the coding strand, the complement: TNNT2 is on the minus strand). VCF-style: chr1-201373264-T-G. GRCh37 (hg19) VCF-style: chr1-201342392-T-G.
Other names: c.-10A>C (NM_000364.4, NM_001001430.3, NM_001001431.3 and 7 more transcripts); c.-5-5A>C (NM_001406727.1, NM_001406724.1).
Identifiers: ClinVar variation 3386124 (VCV003386124.1).

ClinVar aggregate classification (germline): Uncertain significance (1 of 4 stars; one submission).

Conditions:
Cardiomyopathy (CMYO). Also called: Cardiomyopathies. Identifiers: Orphanet 167848, MedGen C0878544, MONDO:0004994, HP:0001638. Inheritance: Various modes of inheritance.

Submission:

All of Us Research Program, National Institutes of Health
Classification: Uncertain significance for Cardiomyopathy. Last evaluated: 2024-08-13. Review status: criteria provided, single submitter. Criteria: ACMG Guidelines, 2015. Collection method: clinical testing. Allele origin: germline. Inheritance: Autosomal dominant inheritance. Observed: 1 variant allele, 1 heterozygote.
Comment: This variant is located in the 5' untranslated region of the TNNT2 gene. To our knowledge, functional studies have not been reported for this variant. This variant has not been reported in individuals affected with TNNT2-related disorders in the literature. This variant has not been identified in the general population by the Genome Aggregation Database (gnomAD). The available evidence is insufficient to determine the role of this variant in disease conclusively. Therefore, this variant is classified as a Variant of Uncertain Significance.

This study involves interpretation of variants in research participants for the purpose of population health screening. Participant phenotype was not available at the time of variant classification. Additional details can be found in publication PMID: 35346344, PMCID: PMC8962531